The following is an entry in ClinVar:

NC_000019.10:g.(?_41968775)_(41970552_?)del

Gene: ATP1A3 (ATPase Na+/K+ transporting subunit alpha 3; minus strand). Cytogenetic location: 19q13.2.
Variant type: Deletion.
Identifiers: ClinVar variation 831696 (VCV000831696.5).

ClinVar aggregate classification (germline): Pathogenic (1 of 4 stars; one submission).

Conditions:
Dystonia 12 (DYT12). Also called: DYT-ATP1A3; Rapid-Onset Dystonia-Parkinsonism (RDP). Identifiers: Orphanet 71517, MedGen C1868681, MONDO:0007496, OMIM 128235.

Submission:

Labcorp Genetics (formerly Invitae), Labcorp
Classification: Pathogenic for Dystonia 12. Last evaluated: 2021-11-01. Review status: criteria provided, single submitter. Criteria: Invitae Variant Classification Sherloc (09022015). Collection method: clinical testing. Allele origin: germline.
Comment: For these reasons, this variant has been classified as Pathogenic. This variant has not been reported in the literature in individuals affected with ATP1A3-related conditions. This variant is a gross deletion of the genomic region encompassing exon(s) 17-20 of the ATP1A3 gene. This deletion is out-of-frame, and is expected to create a premature termination codon and result in an absent or disrupted protein product. Loss-of-function variants in ATP1A3 are known to be pathogenic (PMID: 24983657, 24631656).

Literature cited by the submitters: PubMed 24983657; PubMed 24631656.